The following is an entry in ClinVar:

ClinVar aggregate classification (germline): Uncertain significance (1 of 4 stars; one submission).

Conditions:
Cardiovascular phenotype. Identifiers: MedGen CN230736.

Submission:

Ambry Genetics
Classification: Uncertain significance for Cardiovascular phenotype. Last evaluated: 2016-12-29. Review status: criteria provided, single submitter. Criteria: Ambry Variant Classification Scheme 2023. Collection method: clinical testing. Allele origin: germline.
Comment: The p.L3476V variant (also known as c.10426C>G), located in coding exon 44 of the TTN gene, results from a C to G substitution at nucleotide position 10426. The leucine at codon 3476 is replaced by valine, an amino acid with highly similar properties, and is located in the I-band region of the N2-B isoform of the titin protein. This amino acid position is well conserved in available vertebrate species. In addition, this alteration is predicted to be tolerated by in silico analysis. Since supporting evidence is limited at this time, the clinical significance of this alteration remains unclear.

NM_001267550.2(TTN):c.11515C>G (p.Leu3839Val)

Gene: TTN (titin; minus strand). Cytogenetic location: 2q31.2.
Variant type: single nucleotide variant.
Coding change: c.11515C>G on transcript NM_001267550.2 (MANE Select); coding-DNA position 11515, C replaced by G.
Protein change: p.Leu3839Val; replaces leucine 3839 with valine.
Molecular consequence: missense variant. On other transcripts: intron variant (1).
Genome position (GRCh38, 1-based): chr2:178,741,718, G>C on the plus strand (C>G on the coding strand, the complement: TTN is on the minus strand). VCF-style: chr2-178741718-G-C. GRCh37 (hg19) VCF-style: chr2-179606445-G-C.
Other names: c.10564C>G, p.Leu3522Val (NM_001256850.1); c.10426C>G, p.Leu3476Val (NM_003319.4); c.10801C>G, p.Leu3601Val (NM_133432.3); c.11002C>G, p.Leu3668Val (NM_133437.4); c.10361-3358C>G (NM_133378.4); short protein forms L3476V, L3839V, L3522V, L3668V, L3601V.
Identifiers: ClinVar variation 518951 (VCV000518951.5), dbSNP rs1553942156, ClinGen allele CA349621527.